The following is an entry in ClinVar:

NM_001384317.1(ZHX3):c.854A>G (p.His285Arg)

Gene: ZHX3 (zinc fingers and homeoboxes 3; minus strand). Cytogenetic location: 20q12.
Variant type: single nucleotide variant.
Coding change: c.854A>G on transcript NM_001384317.1 (MANE Select); coding-DNA position 854, A replaced by G.
Protein change: p.His285Arg; replaces histidine 285 with arginine.
Molecular consequence: missense variant.
Genome position (GRCh38, 1-based): chr20:41,204,063, T>C on the plus strand (A>G on the coding strand, the complement: ZHX3 is on the minus strand). VCF-style: chr20-41204063-T-C. GRCh37 (hg19) VCF-style: chr20-39832703-T-C.
Other names: c.854A>G, p.His285Arg (NM_001384315.1, NM_001384316.1, NM_001384318.1 and 8 more transcripts); short protein forms H285R.
Identifiers: ClinVar variation 3630231 (VCV003630231.2).
Genomic context (GRCh38, chr20:41,204,063, plus strand): 5'-CTGCTCAGGGGGATCATCACTTTGGGAAGGGCCTTGGCCGTGGGCAGTGGCTGGTGGACA[T>C]GGTGTTGGGCATGCACTGGGGGCTGCTGCTGGAGGGAGAGGAACTGTGCTATGCCAGCTG-3'
Protein context (NP_001371246.1, residues 275-295): QQQPPVHAQH[His285Arg]VHQPLPTAKA

ClinVar aggregate classification (germline): Uncertain significance (1 of 4 stars; one submission).

Submission:

Labcorp Genetics (formerly Invitae), Labcorp
Classification: Uncertain significance. Last evaluated: 2024-03-25. Review status: criteria provided, single submitter. Criteria: Invitae Variant Classification Sherloc (09022015). Collection method: clinical testing. Allele origin: germline.
Comment: This sequence change replaces histidine, which is basic and polar, with arginine, which is basic and polar, at codon 285 of the ZHX3 protein (p.His285Arg). This variant is not present in population databases (gnomAD no frequency). This variant has not been reported in the literature in individuals affected with ZHX3-related conditions. An algorithm developed to predict the effect of missense changes on protein structure and function (PolyPhen-2) suggests that this variant is likely to be tolerated. In summary, the available evidence is currently insufficient to determine the role of this variant in disease. Therefore, it has been classified as a Variant of Uncertain Significance.